The following is an entry in ClinVar:

NM_002291.3(LAMB1):c.3762-4A>G

Gene: LAMB1 (laminin subunit beta 1; minus strand). Cytogenetic location: 7q31.1.
Variant type: single nucleotide variant.
Coding change: c.3762-4A>G on transcript NM_002291.3 (MANE Select); 4 bases into the intron before coding-DNA position 3762, A replaced by G.
Molecular consequence: intron variant.
Genome position (GRCh38, 1-based): chr7:107,937,281, T>C on the plus strand (A>G on the coding strand, the complement: LAMB1 is on the minus strand). VCF-style: chr7-107937281-T-C. GRCh37 (hg19) VCF-style: chr7-107577726-T-C.
Identifiers: ClinVar variation 391228 (VCV000391228.3), dbSNP rs374438596, ClinGen allele CA4435224.

ClinVar aggregate classification (germline): Likely benign. Review status: criteria provided, single submitter (1 of 4 stars). 2 submissions from 2 submitters: Likely benign (1). 1 of the submissions does not count toward it. Last evaluated 2017-06-08.

Conditions:
LAMB1-related disorder. Also called: LAMB1-related condition.

Allele frequency attached by ClinVar (database versions not stated): ExAC 0.00002; gnomAD exomes 0.00002; ESP Exome Variant Server 0.00008.
gnomAD v4.1: 12 of 1,610,860 alleles (0.00074%); highest among the groups gnomAD compares: Middle Eastern, 0.017%; no homozygotes.

Submissions (2):

GeneDx
Classification: Likely benign. Last evaluated: 2017-06-08. Review status: criteria provided, single submitter. Criteria: GeneDx Variant Classification (06012015). Collection method: clinical testing. Allele origin: germline. Affected: yes.
Comment: This variant is considered likely benign or benign based on one or more of the following criteria: it is a conservative change, it occurs at a poorly conserved position in the protein, it is predicted to be benign by multiple in silico algorithms, and/or has population frequency not consistent with disease.

PreventionGenetics, part of Exact Sciences
Classification: Likely benign for LAMB1-related condition. Last evaluated: 2019-07-09. Review status: no assertion criteria provided. Collection method: clinical testing. Allele origin: germline. Not counted in ClinVar's aggregate classification.
Comment: This variant is classified as likely benign based on ACMG/AMP sequence variant interpretation guidelines (Richards et al. 2015 PMID: 25741868, with internal and published modifications).